The following is an entry in ClinVar:

NM_001283009.2(RTEL1):c.599G>C (p.Ser200Thr)

Genes: RTEL1 (regulator of telomere elongation helicase 1; plus strand), RTEL1-TNFRSF6B (RTEL1-TNFRSF6B readthrough (NMD candidate); plus strand). Cytogenetic location: 20q13.33.
Variant type: single nucleotide variant.
Coding change: c.599G>C on transcript NM_001283009.2 (MANE Select); coding-DNA position 599, G replaced by C.
Protein change: p.Ser200Thr; replaces serine 200 with threonine.
Molecular consequence: missense variant. On other transcripts: non-coding transcript variant (1), 5 prime UTR variant (1).
Genome position (GRCh38, 1-based): chr20:63,666,064, G>C. VCF-style: chr20-63666064-G-C. GRCh37 (hg19) VCF-style: chr20-62297417-G-C.
Other names: c.-71G>C (NM_001283010.1); c.599G>C, p.Ser200Thr (NM_016434.4); c.671G>C, p.Ser224Thr (NM_032957.5); short protein forms S224T, S200T.
Identifiers: ClinVar variation 944101 (VCV000944101.6), dbSNP rs2090120174, ClinGen allele CA409670566.

ClinVar aggregate classification (germline): Uncertain significance (1 of 4 stars; one submission).

Conditions:
Dyskeratosis congenita, autosomal recessive 5 (DKCB5). Identifiers: MedGen C3554656, MONDO:0014076, OMIM 615190.
Pulmonary fibrosis and/or bone marrow failure, Telomere-related, 3. Also called: PULMONARY FIBROSIS AND/OR BONE MARROW FAILURE SYNDROME, TELOMERE-RELATED, 3. Identifiers: Orphanet 2032, MedGen C4225346, MONDO:0014613, OMIM 616373.

Submission:

Labcorp Genetics (formerly Invitae), Labcorp
Classification: Uncertain significance for Dyskeratosis congenita, autosomal recessive 5; Pulmonary fibrosis and/or bone marrow failure, Telomere-related, 3. Last evaluated: 2021-08-26. Review status: criteria provided, single submitter. Criteria: Invitae Variant Classification Sherloc (09022015). Collection method: clinical testing. Allele origin: germline.
Comment: This sequence change replaces serine with threonine at codon 200 of the RTEL1 protein (p.Ser200Thr). The serine residue is weakly conserved and there is a small physicochemical difference between serine and threonine. This variant is not present in population databases (ExAC no frequency). This variant has not been reported in the literature in individuals affected with RTEL1-related conditions. Algorithms developed to predict the effect of missense changes on protein structure and function (SIFT, PolyPhen-2, Align-GVGD) all suggest that this variant is likely to be tolerated. In summary, the available evidence is currently insufficient to determine the role of this variant in disease. Therefore, it has been classified as a Variant of Uncertain Significance.